The following is an entry in ClinVar:

ClinVar aggregate classification (germline): Uncertain significance (1 of 4 stars; one submission).

Conditions:
Inborn genetic diseases. Identifiers: MedGen C0950123, MeSH D030342.

Submission:

Ambry Genetics
Classification: Uncertain significance for Inborn genetic diseases. Last evaluated: 2025-11-29. Review status: criteria provided, single submitter. Criteria: Ambry Variant Classification Scheme 2023. Collection method: clinical testing. Allele origin: germline.
Comment: The p.Q522R variant (also known as c.1565A>G), located in coding exon 12 of the ASXL1 gene, results from an A to G substitution at nucleotide position 1565. The glutamine at codon 522 is replaced by arginine, an amino acid with highly similar properties. This amino acid position is conserved. In addition, this alteration is predicted to be tolerated by in silico analysis. Based on the available evidence, the clinical significance of this variant remains unclear.

NM_015338.6(ASXL1):c.1565A>G (p.Gln522Arg)

Gene: ASXL1 (ASXL transcriptional regulator 1; plus strand). Cytogenetic location: 20q11.21.
Variant type: single nucleotide variant.
Coding change: c.1565A>G on transcript NM_015338.6 (MANE Select); coding-DNA position 1565, A replaced by G.
Protein change: p.Gln522Arg; replaces glutamine 522 with arginine.
Molecular consequence: missense variant.
Genome position (GRCh38, 1-based): chr20:32,433,763, A>G. VCF-style: chr20-32433763-A-G. GRCh37 (hg19) VCF-style: chr20-31021566-A-G.
Other names: c.1382A>G, p.Gln461Arg (NM_001363734.1); short protein forms Q522R, Q461R.
Identifiers: ClinVar variation 4588813 (VCV004588813.1).